The following is an entry in ClinVar:

ClinVar aggregate classification (germline): Uncertain significance (1 of 4 stars; one submission).

Conditions:
Simpson-Golabi-Behmel syndrome type 1 (SGBS1). Also called: DYSPLASIA GIGANTISM SYNDROME, X-LINKED; GOLABI-ROSEN SYNDROME; SIMPSON DYSMORPHIA SYNDROME; GPC3-Related Simpson-Golabi-Behmel Syndrome Type 1; BULLDOG SYNDROME. Identifiers: Orphanet 373, MedGen C0796154, MONDO:0020602, OMIM 312870.

Submission:

Baylor Genetics
Classification: Uncertain significance for Simpson-Golabi-Behmel syndrome type 1. Last evaluated: 2020-08-18. Review status: criteria provided, single submitter. Criteria: ACMG Guidelines, 2015. Collection method: clinical testing. Allele origin: unknown. Affected: yes.
Comment: This variant was determined to be of uncertain significance according to ACMG Guidelines, 2015 [PMID:25741868].

NM_004484.4(GPC3):c.-1G>C

Gene: GPC3 (glypican 3; minus strand). Cytogenetic location: Xq26.2.
Variant type: single nucleotide variant.
Coding change: c.-1G>C on transcript NM_004484.4 (MANE Select); 1 bases upstream of the start codon, G replaced by C.
Molecular consequence: 5 prime UTR variant.
Genome position (GRCh38, 1-based): chrX:133,985,450, C>G on the plus strand (G>C on the coding strand, the complement: GPC3 is on the minus strand). VCF-style: chrX-133985450-C-G. GRCh37 (hg19) VCF-style: chrX-133119477-C-G.
Other names: c.-1G>C (NM_001164619.2, NM_001164617.2, NM_001164618.2).
Identifiers: ClinVar variation 1028766 (VCV001028766.1), dbSNP rs2076564315, ClinGen allele CA2459574030.